The following is an entry in ClinVar:

ClinVar aggregate classification (germline): Uncertain significance. Review status: criteria provided, multiple submitters, no conflicts (2 of 4 stars). 2 submissions from 2 submitters: Uncertain significance (2). Last evaluated 2021-11-17.

Conditions:
Pulmonary hypertension, primary, 2. Identifiers: Orphanet 422, MedGen C3888002, MONDO:0014134, OMIM 615342.

Allele frequency attached by ClinVar (database versions not stated): TOPMed 0.00001; gnomAD 0.00002 and 0.00003; gnomAD exomes 0.00002 and 0.00003; ExAC 0.00005; 1000 Genomes Project 30x 0.00016; 1000 Genomes Project 0.00020.

Submissions (2):

Fulgent Genetics
Classification: Uncertain significance for Pulmonary hypertension, primary, 2. Last evaluated: 2021-11-17. Review status: criteria provided, single submitter. Criteria: ACMG Guidelines, 2015. Collection method: clinical testing. Allele origin: unknown.

GeneDx
Classification: Uncertain significance. Last evaluated: 2020-02-20. Review status: criteria provided, single submitter. Criteria: GeneDx Variant Classification Process June 2021. Collection method: clinical testing. Allele origin: germline. Affected: yes.
Comment: In silico analysis supports that this missense variant has a deleterious effect on protein structure/function; This variant is associated with the following publications: (PMID: 30755392)

NM_001127217.3(SMAD9):c.907G>A (p.Asp303Asn)

Gene: SMAD9 (SMAD family member 9; minus strand). Cytogenetic location: 13q13.3.
Variant type: single nucleotide variant.
Coding change: c.907G>A on transcript NM_001127217.3 (MANE Select); coding-DNA position 907, G replaced by A.
Protein change: p.Asp303Asn; replaces aspartic acid 303 with asparagine.
Molecular consequence: missense variant.
Genome position (GRCh38, 1-based): chr13:36,865,633, C>T on the plus strand (G>A on the coding strand, the complement: SMAD9 is on the minus strand). VCF-style: chr13-36865633-C-T. GRCh37 (hg19) VCF-style: chr13-37439770-C-T.
Other names: c.796G>A, p.Asp266Asn (NM_001378621.1, NM_005905.6); short protein forms D303N, D266N.
Identifiers: ClinVar variation 452036 (VCV000452036.4), dbSNP rs369783485, ClinGen allele CA6950437.